The following is an entry in ClinVar:

ClinVar aggregate classification (germline): Conflicting classifications of pathogenicity. Review status: criteria provided, conflicting classifications (1 of 4 stars). 7 submissions from 6 submitters: Uncertain significance (2); Likely benign (5). Last evaluated 2025-09-26.

Conditions:
Cardiovascular phenotype. Identifiers: MedGen CN230736.
Hypertrophic cardiomyopathy 4. Also called: Familial hypertrophic cardiomyopathy 4. Identifiers: MedGen C1861862, MONDO:0007268, OMIM 115197.
Left ventricular noncompaction 10 (LVNC10). Identifiers: Orphanet 154, Orphanet 54260, MedGen C3715165, MONDO:0014163, OMIM 615396.
Cardiomyopathy (CMYO). Also called: Cardiomyopathies. Identifiers: Orphanet 167848, MedGen C0878544, MONDO:0004994, HP:0001638. Inheritance: Various modes of inheritance.
Hypertrophic cardiomyopathy. Also called: HYPERTROPHIC MYOCARDIOPATHY. Identifiers: Orphanet 217569, MedGen C0007194, MeSH D002312, MONDO:0005045, HP:0001639.

Allele frequency attached by ClinVar (database versions not stated): gnomAD 0.00001; ExAC 0.00002; TOPMed 0.00002; 1000 Genomes Project 30x 0.00016; 1000 Genomes Project 0.00020.

Submissions (7):

Labcorp Genetics (formerly Invitae), Labcorp
Classification: Likely benign for Hypertrophic cardiomyopathy. Last evaluated: 2025-09-26. Review status: criteria provided, single submitter. Criteria: Invitae Variant Classification Sherloc (09022015). Collection method: clinical testing. Allele origin: germline.

Ambry Genetics
Classification: Likely benign for Cardiovascular phenotype. Last evaluated: 2024-08-07. Review status: criteria provided, single submitter. Criteria: Ambry Variant Classification Scheme 2023. Collection method: clinical testing. Allele origin: germline.

All of Us Research Program, National Institutes of Health
Classification: Likely benign for Hypertrophic cardiomyopathy. Last evaluated: 2023-11-30. Review status: criteria provided, single submitter. Criteria: ACMG Guidelines, 2015. Collection method: clinical testing. Allele origin: germline. Inheritance: Autosomal dominant inheritance. Observed: 5 variant alleles, 5 heterozygotes.
Comment: This study involves interpretation of variants in research participants for the purpose of population health screening. Participant phenotype was not available at the time of variant classification. Additional details can be found in publication PMID: 35346344, PMCID: PMC8962531

Color Diagnostics, LLC DBA Color Health
Classification: Likely benign for Cardiomyopathy. Last evaluated: 2021-01-11. Review status: criteria provided, single submitter. Criteria: ACMG Guidelines, 2015. Collection method: clinical testing. Allele origin: germline.

Illumina Laboratory Services, Illumina
Classification: Uncertain significance for Hypertrophic cardiomyopathy 4. Last evaluated: 2018-01-13. Review status: criteria provided, single submitter. Criteria: ICSL Variant Classification Criteria 13 December 2019. Collection method: clinical testing. Allele origin: germline.

Illumina Laboratory Services, Illumina
Classification: Uncertain significance for Left ventricular noncompaction 10. Last evaluated: 2018-01-13. Review status: criteria provided, single submitter. Criteria: ICSL Variant Classification Criteria 13 December 2019. Collection method: clinical testing. Allele origin: germline.

GeneDx
Classification: Likely benign. Last evaluated: 2017-07-05. Review status: criteria provided, single submitter. Criteria: GeneDx Variant Classification (06012015). Collection method: clinical testing. Allele origin: germline. Affected: yes.
Comment: This variant is considered likely benign or benign based on one or more of the following criteria: it is a conservative change, it occurs at a poorly conserved position in the protein, it is predicted to be benign by multiple in silico algorithms, and/or has population frequency not consistent with disease.

NM_000256.3(MYBPC3):c.2613C>T (p.Ser871=)

Gene: MYBPC3 (myosin binding protein C3; minus strand). Cytogenetic location: 11p11.2.
Variant type: single nucleotide variant.
Coding change: c.2613C>T on transcript NM_000256.3 (MANE Select); coding-DNA position 2613, C replaced by T.
Protein change: p.Ser871=; no amino-acid change (serine 871 retained).
Molecular consequence: synonymous variant.
Genome position (GRCh38, 1-based): chr11:47,336,001, G>A on the plus strand (C>T on the coding strand, the complement: MYBPC3 is on the minus strand). VCF-style: chr11-47336001-G-A. GRCh37 (hg19) VCF-style: chr11-47357552-G-A.
Other names: c.2613C>T, p.Ser871= (LRG_386t1).
Identifiers: ClinVar variation 510511 (VCV000510511.17), dbSNP rs531228202, ClinGen allele CA078867.